The following is an entry in ClinVar:

NM_015166.4(MLC1):c.423+1G>T

Gene: MLC1 (modulator of VRAC current 1; minus strand). Cytogenetic location: 22q13.33.
Variant type: single nucleotide variant.
Coding change: c.423+1G>T on transcript NM_015166.4 (MANE Select); the canonical splice donor site of the intron after coding-DNA position 423, G replaced by T.
Molecular consequence: splice donor variant. On other transcripts: intron variant (3).
Genome position (GRCh38, 1-based): chr22:50,079,917, C>A on the plus strand (G>T on the coding strand, the complement: MLC1 is on the minus strand). VCF-style: chr22-50079917-C-A. GRCh37 (hg19) VCF-style: chr22-50518346-C-A.
Other names: c.423+1G>T (NM_001376476.1, NM_001376473.1, NM_001376474.1 and 6 more transcripts); c.186+1G>T (NM_001376484.1); c.333+1G>T (NM_001376480.1); c.268-2415G>T (NM_001376482.1, NM_001376483.1); c.321+427G>T (NM_001376481.1).
Identifiers: ClinVar variation 1067995 (VCV001067995.9), dbSNP rs752428321, ClinGen allele CA412110524.

ClinVar aggregate classification (germline): Pathogenic/Likely pathogenic. Review status: criteria provided, multiple submitters, no conflicts (2 of 4 stars). 3 submissions from 3 submitters: Pathogenic (1); Likely pathogenic (1). 1 of the submissions does not count toward it. Last evaluated 2023-04-17.

Conditions:
Megalencephalic leukoencephalopathy with subcortical cysts. Also called: VAN DER KNAAP DISEASE. Identifiers: Orphanet 2478, MedGen C1858854, MONDO:0011391.
Megalencephalic leukoencephalopathy with subcortical cysts 1 (MLC1). Also called: LEUKOENCEPHALOPATHY WITH SWELLING AND CYSTS; VACUOLATING MEGALENCEPHALIC LEUKOENCEPHALOPATHY WITH SUBCORTICAL CYSTS. Identifiers: Orphanet 2478, MedGen C5779875, MONDO:0024555, OMIM 604004.

gnomAD v4.1: 4 of 1,608,192 alleles (0.00025%); highest among the groups gnomAD compares: African/African-American, 0.0013%; no homozygotes.

Submissions (3):

Baylor Genetics
Classification: Likely pathogenic for Megalencephalic leukoencephalopathy with subcortical cysts 1. Last evaluated: 2023-04-17. Review status: criteria provided, single submitter. Criteria: ACMG Guidelines, 2015. Collection method: clinical testing. Allele origin: unknown.

Labcorp Genetics (formerly Invitae), Labcorp
Classification: Pathogenic. Last evaluated: 2022-11-15. Review status: criteria provided, single submitter. Criteria: Invitae Variant Classification Sherloc (09022015). Collection method: clinical testing. Allele origin: germline.
Comment: For these reasons, this variant has been classified as Pathogenic. Algorithms developed to predict the effect of sequence changes on RNA splicing suggest that this variant may disrupt the consensus splice site. ClinVar contains an entry for this variant (Variation ID: 1067995). Disruption of this splice site has been observed in individuals with clinical features of megalencephalic leukoencephalopathy with subcortical cysts (PMID: 11935341, 32056211, 33084218; Invitae). This variant is not present in population databases (gnomAD no frequency). This sequence change affects a donor splice site in intron 5 of the MLC1 gene. It is expected to disrupt RNA splicing. Variants that disrupt the donor or acceptor splice site typically lead to a loss of protein function (PMID: 16199547), and loss-of-function variants in MLC1 are known to be pathogenic (PMID: 11254442, 16470554, 24824219).

Natera, Inc.
Classification: Likely pathogenic for Megalencephalic leukoencephalopathy with subcortical cysts. Last evaluated: 2020-01-03. Review status: no assertion criteria provided. Collection method: clinical testing. Allele origin: germline. Not counted in ClinVar's aggregate classification.

Literature cited by the submitters: PubMed 11935341 (cited by Labcorp Genetics (formerly Invitae), Labcorp); PubMed 32056211 (cited by Labcorp Genetics (formerly Invitae), Labcorp); PubMed 33084218 (cited by Labcorp Genetics (formerly Invitae), Labcorp); PubMed 16199547 (cited by Labcorp Genetics (formerly Invitae), Labcorp); PubMed 11254442 (cited by Labcorp Genetics (formerly Invitae), Labcorp); PubMed 16470554 (cited by Labcorp Genetics (formerly Invitae), Labcorp); PubMed 24824219 (cited by Labcorp Genetics (formerly Invitae), Labcorp).